The following is an entry in ClinVar:

NM_023004.6(RTN4R):c.528C>T (p.Asp176=)

Gene: RTN4R (reticulon 4 receptor; minus strand). Cytogenetic location: 22q11.21.
Variant type: single nucleotide variant.
Coding change: c.528C>T on transcript NM_023004.6 (MANE Select); coding-DNA position 528, C replaced by T.
Protein change: p.Asp176=; no amino-acid change (aspartic acid 176 retained).
Molecular consequence: synonymous variant.
Genome position (GRCh38, 1-based): chr22:20,242,605, G>A on the plus strand (C>T on the coding strand, the complement: RTN4R is on the minus strand). VCF-style: chr22-20242605-G-A. GRCh37 (hg19) VCF-style: chr22-20230128-G-A.
Identifiers: ClinVar variation 3047551 (VCV003047551.2), dbSNP rs1370988148, ClinGen allele CA513693351.

ClinVar aggregate classification (germline): Likely benign (0 of 4 stars; one submission).

Conditions:
RTN4R-related disorder. Also called: RTN4R-related condition.

Allele frequency attached by ClinVar (database versions not stated): gnomAD exomes below 0.00001.
gnomAD v4.1: 1 of 1,613,124 alleles (0.000062%); highest among the groups gnomAD compares: South Asian, 0.0011%; no homozygotes.

Submission:

PreventionGenetics, part of Exact Sciences
Classification: Likely benign for RTN4R-related condition. Last evaluated: 2019-02-21. Review status: no assertion criteria provided. Collection method: clinical testing. Allele origin: germline.
Comment: This variant is classified as likely benign based on ACMG/AMP sequence variant interpretation guidelines (Richards et al. 2015 PMID: 25741868, with internal and published modifications).